The following is an entry in ClinVar:

NM_201384.3(PLEC):c.1262C>T (p.Ser421Leu)

Genes: PLEC (plectin; minus strand), LOC130001334 (ATAC-STARR-seq lymphoblastoid silent region 19628; plus strand). Cytogenetic location: 8q24.3.
Variant type: single nucleotide variant.
Coding change: c.1262C>T on transcript NM_201384.3 (MANE Select); coding-DNA position 1262, C replaced by T.
Protein change: p.Ser421Leu; replaces serine 421 with leucine.
Molecular consequence: missense variant.
Genome position (GRCh38, 1-based): chr8:143,933,999, G>A on the plus strand (C>T on the coding strand, the complement: PLEC is on the minus strand). VCF-style: chr8-143933999-G-A. GRCh37 (hg19) VCF-style: chr8-145008167-G-A.
Other names: c.1343C>T, p.Ser448Leu (NM_000445.5); c.1220C>T, p.Ser407Leu (NM_201378.4); c.1196C>T, p.Ser399Leu (NM_201379.3); c.1673C>T, p.Ser558Leu (NM_201380.4); c.1166C>T, p.Ser389Leu (NM_201381.3); c.1262C>T, p.Ser421Leu (NM_201382.4); c.1274C>T, p.Ser425Leu (NM_201383.3); c.1343C>T (NM_000445.3); short protein forms S399L, S407L, S558L, S389L, S421L, S425L, S448L.
Identifiers: ClinVar variation 282413 (VCV000282413.16), dbSNP rs200848972, ClinGen allele CA4928080.
Genomic context (GRCh38, chr8:143,933,999, plus strand): 5'-GGGCGGGGCAGGCTCCTCCGGCCTCCCTCCCGCCCACTGCCTGCCCCACACCCCCTCACC[G>A]ACTGCAGCAGGGCGTCGGCCTGGTTCAGCTGCTCCTCACACAGCCCCGCCTCCATCTGCA-3'
Protein context (NP_958786.1, residues 411-431): QLNQADALLQ[Ser421Leu]DVRLLAAGKV

ClinVar aggregate classification (germline): Uncertain significance. Review status: criteria provided, multiple submitters, no conflicts (2 of 4 stars). 4 submissions from 4 submitters: Uncertain significance (4). Last evaluated 2026-01-02.

Conditions:
Inborn genetic diseases. Identifiers: MedGen C0950123, MeSH D030342.
Epidermolysis bullosa simplex with nail dystrophy (EBS5D). Identifiers: MedGen C4225309, MONDO:0014661, OMIM 616487.
Epidermolysis bullosa simplex 5C, with pyloric atresia (EBS5C). Also called: PLEC-Related Epidermolysis Bullosa with Pyloric Atresia; Epidermolysis bullosa simplex with pyloric atresia; PLEC1-Related Epidermolysis Bullosa with Pyloric Atresia. Identifiers: Orphanet 158684, MedGen C2677349, MONDO:0012807, OMIM 612138.
Autosomal recessive limb-girdle muscular dystrophy type 2Q (LGMDR17). Also called: MUSCULAR DYSTROPHY, LIMB-GIRDLE, AUTOSOMAL RECESSIVE 17. Identifiers: Orphanet 254361, MedGen C3150989, MONDO:0013390, OMIM 613723.
Epidermolysis bullosa simplex 5B, with muscular dystrophy (EBS5B). Also called: EPIDERMOLYSIS BULLOSA SIMPLEX AND LIMB-GIRDLE MUSCULAR DYSTROPHY; Epidermolysis bullosa simplex with muscular dystrophy. Identifiers: Orphanet 257, MedGen C2931072, MONDO:0009181, OMIM 226670.
Epidermolysis bullosa simplex, Ogna type (EBS5A). Also called: Pidermolysis bullosa simplex 5A, Ogna type; EPIDERMOLYSIS BULLOSA SIMPLEX 5A, OGNA TYPE. Identifiers: Orphanet 79401, MedGen C0432317, MONDO:0007555, OMIM 131950.

Allele frequency attached by ClinVar (database versions not stated): gnomAD 0.00007 and 0.00009; gnomAD exomes 0.00008 and 0.00024; TOPMed 0.00011; ExAC 0.00051.
gnomAD v4.1: 144 of 1,574,562 alleles (0.0091%); highest among the groups gnomAD compares: East Asian, 0.056%; no homozygotes.

Submissions (4):

Labcorp Genetics (formerly Invitae), Labcorp
Classification: Uncertain significance for Autosomal recessive limb-girdle muscular dystrophy type 2Q; Epidermolysis bullosa simplex, Ogna type; Epidermolysis bullosa simplex with nail dystrophy; Epidermolysis bullosa simplex 5C, with pyloric atresia; Epidermolysis bullosa simplex 5B, with muscular dystrophy. Last evaluated: 2026-01-02. Review status: criteria provided, single submitter. Criteria: Invitae Variant Classification Sherloc (09022015). Collection method: clinical testing. Allele origin: germline.
Comment: This sequence change replaces serine, which is neutral and polar, with leucine, which is neutral and non-polar, at codon 448 of the PLEC protein (p.Ser448Leu). This variant is present in population databases (rs200848972, gnomAD 0.1%). This variant has not been reported in the literature in individuals affected with PLEC-related conditions. ClinVar contains an entry for this variant (Variation ID: 282413). An algorithm developed to predict the effect of missense changes on protein structure and function outputs the following: PolyPhen-2: "Not Available". The leucine amino acid residue is found in multiple mammalian species, which suggests that this missense change does not adversely affect protein function. In summary, the available evidence is currently insufficient to determine the role of this variant in disease. Therefore, it has been classified as a Variant of Uncertain Significance.

Revvity Omics, Revvity
Classification: Uncertain significance. Last evaluated: 2025-08-07. Review status: criteria provided, single submitter. Criteria: ACMG Guidelines, 2015. Collection method: clinical testing. Allele origin: germline.

Ambry Genetics
Classification: Uncertain significance for Inborn genetic diseases. Last evaluated: 2024-05-13. Review status: criteria provided, single submitter. Criteria: Ambry Variant Classification Scheme 2023. Collection method: clinical testing. Allele origin: germline.

Eurofins Ntd Llc (ga)
Classification: Uncertain significance. Last evaluated: 2015-08-07. Review status: criteria provided, single submitter. Criteria: EGL Classification Definitions 2015. Collection method: clinical testing. Allele origin: germline. Observed: 1 variant allele, 1 heterozygote.